The following is an entry in ClinVar:

ClinVar aggregate classification (germline): Pathogenic/Likely pathogenic. Review status: criteria provided, multiple submitters, no conflicts (2 of 4 stars). 9 submissions from 9 submitters: Pathogenic (8); Likely pathogenic (1). Last evaluated 2025-03-16.

Conditions:
IGHMBP2-related disorder. Also called: IGHMBP2-related disorders; IGHMBP2-related condition.
Distal spinal muscular atrophy. Also called: Distal hereditary motor neuropathy; Distal hereditary motor neuronopathy. Identifiers: Orphanet 53739, MedGen C0393541, MONDO:0018894.
Autosomal recessive distal spinal muscular atrophy 1. Also called: NEURONOPATHY, SEVERE INFANTILE AXONAL, WITH RESPIRATORY FAILURE; SEVERE INFANTILE AXONAL NEUROPATHY WITH RESPIRATORY FAILURE; SPINAL MUSCULAR ATROPHY, DIAPHRAGMATIC; Spinal muscular atrophy with respiratory distress 1; NEURONOPATHY, DISTAL HEREDITARY MOTOR, HARDING TYPE VI; NEUROPATHY, DISTAL HEREDITARY MOTOR, AUTOSOMAL RECESSIVE 1. Identifiers: Orphanet 98920, MedGen C1858517, MONDO:0011436, OMIM 604320.
Charcot-Marie-Tooth disease axonal type 2S. Also called: CHARCOT-MARIE-TOOTH NEUROPATHY, TYPE 2S; CHARCOT-MARIE-TOOTH DISEASE, AXONAL, AUTOSOMAL RECESSIVE, TYPE 2S. Identifiers: Orphanet 443073, MedGen C4015349, MONDO:0014511, OMIM 616155.

Allele frequency attached by ClinVar (database versions not stated): gnomAD 0.00003; gnomAD exomes 0.00003 and 0.00005; TOPMed 0.00003; ExAC 0.00004; ESP Exome Variant Server 0.00015.

Submissions (9):

Labcorp Genetics (formerly Invitae), Labcorp
Classification: Pathogenic for Autosomal recessive distal spinal muscular atrophy 1; Charcot-Marie-Tooth disease axonal type 2S. Last evaluated: 2025-03-16. Review status: criteria provided, single submitter. Criteria: Invitae Variant Classification Sherloc (09022015). Collection method: clinical testing. Allele origin: germline.
Comment: This sequence change creates a premature translational stop signal (p.Arg43*) in the IGHMBP2 gene. It is expected to result in an absent or disrupted protein product. Loss-of-function variants in IGHMBP2 are known to be pathogenic (PMID: 14681881, 25439726, 25568292). This variant is present in population databases (rs200089714, gnomAD 0.01%). This premature translational stop signal has been observed in individual(s) with severe infantile neuropathy with diaphragmatic weakness (PMID: 14506069). ClinVar contains an entry for this variant (Variation ID: 228355). For these reasons, this variant has been classified as Pathogenic.

Laboratory of Genetics, Children's Clinical University Hospital Latvia
Classification: Pathogenic. Last evaluated: 2025-02-16. Review status: criteria provided, single submitter. Criteria: ACMG Guidelines, 2015. Collection method: clinical testing. Allele origin: germline. Affected: yes.

Athena Diagnostics
Classification: Pathogenic. Last evaluated: 2023-12-15. Review status: criteria provided, single submitter. Criteria: Athena Diagnostics Criteria. Collection method: clinical testing. Allele origin: unknown.
Comment: This variant is expected to result in the loss of a functional protein. The frequency of this variant in the general population is consistent with pathogenicity. This variant has been identified in at least one individual with autosomal recessive distal hereditary motor neuropathy.

GeneDx
Classification: Pathogenic. Last evaluated: 2022-04-13. Review status: criteria provided, single submitter. Criteria: GeneDx Variant Classification Process June 2021. Collection method: clinical testing. Allele origin: germline. Affected: yes.
Comment: Nonsense variant predicted to result in protein truncation or nonsense mediated decay in a gene for which loss-of-function is a known mechanism of disease; Not observed at significant frequency in large population cohorts (gnomAD); This variant is associated with the following publications: (PMID: 14506069)

Eurofins Ntd Llc (ga)
Classification: Pathogenic. Last evaluated: 2016-09-20. Review status: criteria provided, single submitter. Criteria: EGL Classification Definitions 2015. Collection method: clinical testing. Allele origin: germline. Observed: 1 variant allele, 1 homozygote.

CeGaT Center for Human Genetics Tuebingen
Classification: Pathogenic. Last evaluated: 2016-08-01. Review status: criteria provided, single submitter. Criteria: CeGaT Center For Human Genetics Tuebingen Variant Classification Criteria Version 2. Collection method: clinical testing. Allele origin: germline. Affected: yes. Observed: 1 variant allele.

Laboratory for Molecular Medicine, Mass General Brigham Personalized Medicine
Classification: Pathogenic for Distal spinal muscular atrophy. Last evaluated: 2015-03-11. Review status: criteria provided, single submitter. Criteria: LMM Criteria. Collection method: clinical testing. Allele origin: germline. Inheritance: Autosomal recessive inheritance. Observed: 1 variant allele.
Comment: The p.Arg43X variant in IGHMBP2 has been previously reported in one compound het erozygous individual with spinal muscular atrophy with respiratory distress (SMA RD1; Pitt 2003). It has also been identified in 0.01% (5/66736) European chromos omes by the Exome Aggregation Consortium (dbSNP rs200089714). Although this variant has been seen in the general population, its frequency is low enough to be consistent with a recessive carrier frequency. Th is nonsense variant leads to a premature termination codon at position 43, which is predicted to lead to a truncated or absent protein. Complete loss of IGHMBP2 function is an established disease mechanism for SMARD1. In summary, this varia nt meets our criteria to be classified as pathogenic for SMARD1 in an autosomal recessive manner.

Neuberg Centre For Genomic Medicine, NCGM
Classification: Likely pathogenic for Autosomal recessive distal spinal muscular atrophy 1. Review status: criteria provided, single submitter. Criteria: ACMG Guidelines, 2015. Collection method: clinical testing. Allele origin: germline. Inheritance: Autosomal recessive inheritance. Affected: yes.
Comment: The observed stop gained variant c.127C>T(p.Arg43Ter) in IGHMBP2 gene has not been reported previously as a pathogenic variant nor as a benign variant, to our knowledge. The c.127C>T(p.Arg43Ter) variant is reported with 0.003% allele frequency in gnomAD Exomes. It has been submitted to ClinVar as Pathogenic (multiple submitters). Computational evidence (Mutation Taster - Disease causing) predicts damaging effect on protein structure and function for this variant.This variant is predicted to cause loss of normal protein function through protein truncation. Loss of function variants have been previously reported to be disease causing. For these reasons, this variant has been classified as Likely Pathogenic. In the absence of another reportable variant, the molecular diagnosis is not confirmed.

Rady Children's Institute for Genomic Medicine, Rady Children's Hospital San Diego
Classification: Pathogenic for IGHMBP2-related disorders. Review status: criteria provided, single submitter. Criteria: ACMG Guidelines, 2015. Collection method: clinical testing. Allele origin: germline. Affected: yes.
Comment: This nonsense variant found in exon 2 of 15 is predicted to result in loss of normal protein function through either protein truncation or nonsense-mediated mRNA decay (NMD). This variant has been previously reported as a compound heterozygous change in a patient with early onset diaphragmatic palsy in association with a progressive neuropathy (PMID: 14506069). Loss-of-function variation in IGHMBP2 is an established mechanism of disease (PMID: 14681881, 25439726, 25568292). The c.127C>T (p.Arg43Ter) variant is present in the heterozygous state in the gnomAD population database at a frequency of 0.003% (10/282866) and is absent in the homozygous state, thus is presumed to be rare. Based on the available evidence, the c.127C>T (p.Arg43Ter) variant is classified as Pathogenic.

Literature cited by the submitters: PubMed 14681881 (cited by Labcorp Genetics (formerly Invitae), Labcorp); PubMed 25439726 (cited by Labcorp Genetics (formerly Invitae), Labcorp); PubMed 25568292 (cited by Labcorp Genetics (formerly Invitae), Labcorp); PubMed 14506069 (cited by 3 submitters); PubMed 33502066 (cited by Athena Diagnostics); PubMed 27848944 (cited by Athena Diagnostics).

NM_002180.3(IGHMBP2):c.127C>T (p.Arg43Ter)

Gene: IGHMBP2 (immunoglobulin mu DNA binding protein 2; plus strand). Cytogenetic location: 11q13.3.
Variant type: single nucleotide variant.
Coding change: c.127C>T on transcript NM_002180.3 (MANE Select); coding-DNA position 127, C replaced by T.
Protein change: p.Arg43Ter; replaces arginine 43 with a stop codon.
Molecular consequence: nonsense.
Genome position (GRCh38, 1-based): chr11:68,906,109, C>T. VCF-style: chr11-68906109-C-T. GRCh37 (hg19) VCF-style: chr11-68673577-C-T.
Other names: short protein forms R43*.
Identifiers: ClinVar variation 228355 (VCV000228355.63), dbSNP rs200089714, ClinGen allele CA6153192.